The following is an entry in ClinVar:

ClinVar aggregate classification (germline): Uncertain significance (1 of 4 stars; one submission).

Conditions:
Hyperphosphatasia with impaired intellectual development syndrome 2. Also called: Hyperphosphatasia with intellectual disability syndrome 2; GLYCOSYLPHOSPHATIDYLINOSITOL BIOSYNTHESIS DEFECT 6. Identifiers: Orphanet 247262, MedGen C3553637, MONDO:0013882, OMIM 614749.

Submission:

Labcorp Genetics (formerly Invitae), Labcorp
Classification: Uncertain significance for Hyperphosphatasia with impaired intellectual development syndrome 2. Last evaluated: 2022-03-28. Review status: criteria provided, single submitter. Criteria: Invitae Variant Classification Sherloc (09022015). Collection method: clinical testing. Allele origin: germline.
Comment: This variant is not present in population databases (gnomAD no frequency). This variant has not been reported in the literature in individuals affected with PIGO-related conditions. Algorithms developed to predict the effect of missense changes on protein structure and function are either unavailable or do not agree on the potential impact of this missense change (SIFT: "Tolerated"; PolyPhen-2: "Possibly Damaging"; Align-GVGD: "Class C0"). In summary, the available evidence is currently insufficient to determine the role of this variant in disease. Therefore, it has been classified as a Variant of Uncertain Significance. This sequence change replaces alanine, which is neutral and non-polar, with proline, which is neutral and non-polar, at codon 1067 of the PIGO protein (p.Ala1067Pro).

NM_032634.4(PIGO):c.3199G>C (p.Ala1067Pro)

Gene: PIGO (phosphatidylinositol glycan anchor biosynthesis class O; minus strand). Cytogenetic location: 9p13.3.
Variant type: single nucleotide variant.
Coding change: c.3199G>C on transcript NM_032634.4 (MANE Select); coding-DNA position 3199, G replaced by C.
Protein change: p.Ala1067Pro; replaces alanine 1067 with proline.
Molecular consequence: missense variant.
Genome position (GRCh38, 1-based): chr9:35,089,163, C>G on the plus strand (G>C on the coding strand, the complement: PIGO is on the minus strand). VCF-style: chr9-35089163-C-G. GRCh37 (hg19) VCF-style: chr9-35089160-C-G.
Other names: c.1948G>C, p.Ala650Pro (NM_001201484.2, NM_152850.4); short protein forms A650P, A1067P.
Identifiers: ClinVar variation 2090400 (VCV002090400.4), dbSNP rs768489762, ClinGen allele CA373316998.